The following is an entry in ClinVar:

NM_006059.4(LAMC3):c.2453C>T (p.Pro818Leu)

Gene: LAMC3 (laminin subunit gamma 3; plus strand). Cytogenetic location: 9q34.12.
Variant type: single nucleotide variant.
Coding change: c.2453C>T on transcript NM_006059.4 (MANE Select); coding-DNA position 2453, C replaced by T.
Protein change: p.Pro818Leu; replaces proline 818 with leucine.
Molecular consequence: missense variant.
Genome position (GRCh38, 1-based): chr9:131,067,065, C>T. VCF-style: chr9-131067065-C-T. GRCh37 (hg19) VCF-style: chr9-133942452-C-T.
Other names: short protein forms P818L.
Identifiers: ClinVar variation 1370166 (VCV001370166.5), dbSNP rs374853951, ClinGen allele CA5287439.
Genomic context (GRCh38, chr9:131,067,065, plus strand): 5'-TGGGGCTCTTTGGGCACCCCCAGCCCTGCCACCAGTGCCAGTGTAGCGGGAACGTGGACC[C>T]CAATGCCGTGGGCAACTGTGACCCCCTGTCTGGCCACTGCCTGCGCTGCCTGCACAACAC-3'
Protein context (NP_006050.3, residues 808-828): HQCQCSGNVD[Pro818Leu]NAVGNCDPLS

ClinVar aggregate classification (germline): Uncertain significance (1 of 4 stars; one submission).

Allele frequency attached by ClinVar (database versions not stated): ExAC 0.00001; gnomAD exomes 0.00002; ESP Exome Variant Server 0.00008.
gnomAD v4.1: 12 of 1,614,004 alleles (0.00074%); highest among the groups gnomAD compares: Admixed American, 0.0017%; no homozygotes.

Submission:

Labcorp Genetics (formerly Invitae), Labcorp
Classification: Uncertain significance. Last evaluated: 2022-06-27. Review status: criteria provided, single submitter. Criteria: Invitae Variant Classification Sherloc (09022015). Collection method: clinical testing. Allele origin: germline.
Comment: This sequence change replaces proline, which is neutral and non-polar, with leucine, which is neutral and non-polar, at codon 818 of the LAMC3 protein (p.Pro818Leu). This variant is present in population databases (rs374853951, gnomAD 0.004%). This variant has not been reported in the literature in individuals affected with LAMC3-related conditions. Algorithms developed to predict the effect of missense changes on protein structure and function output the following: SIFT: "Tolerated"; PolyPhen-2: "Benign"; Align-GVGD: "Class C0". The leucine amino acid residue is found in multiple mammalian species, which suggests that this missense change does not adversely affect protein function. In summary, the available evidence is currently insufficient to determine the role of this variant in disease. Therefore, it has been classified as a Variant of Uncertain Significance.